The following is an entry in ClinVar:

NM_139073.5(SPATA3):c.375T>C (p.Arg125=)

Gene: SPATA3 (spermatogenesis associated 3; plus strand). Cytogenetic location: 2q37.1.
Variant type: single nucleotide variant.
Coding change: c.375T>C on transcript NM_139073.5 (MANE Select); coding-DNA position 375, T replaced by C.
Protein change: p.Arg125=; no amino-acid change (arginine 125 retained).
Molecular consequence: synonymous variant.
Genome position (GRCh38, 1-based): chr2:231,000,439, T>C. VCF-style: chr2-231000439-T-C. GRCh37 (hg19) VCF-style: chr2-231865154-T-C.
Identifiers: ClinVar variation 2651994 (VCV002651994.24), dbSNP rs201768791, ClinGen allele CA2158651.

ClinVar aggregate classification (germline): Likely benign (1 of 4 stars; one submission).

Allele frequency attached by ClinVar (database versions not stated): gnomAD exomes 0.00029; TOPMed 0.00032; gnomAD 0.00034.
gnomAD v4.1: 444 of 1,549,194 alleles (0.029%); highest among the groups gnomAD compares: Non-Finnish European, 0.033%; 1 homozygote.

Submission:

CeGaT Center for Human Genetics Tuebingen
Classification: Likely benign. Last evaluated: 2022-11-01. Review status: criteria provided, single submitter. Criteria: CeGaT Center For Human Genetics Tuebingen Variant Classification Criteria Version 2. Collection method: clinical testing. Allele origin: germline. Affected: yes. Observed: 1 variant allele.
Comment: SPATA3: BP4, BP7